The following is an entry in ClinVar:

NM_000135.4(FANCA):c.328G>C (p.Gly110Arg)

Gene: FANCA (FA complementation group A; minus strand). Cytogenetic location: 16q24.3.
Variant type: single nucleotide variant.
Coding change: c.328G>C on transcript NM_000135.4 (MANE Select); coding-DNA position 328, G replaced by C.
Protein change: p.Gly110Arg; replaces glycine 110 with arginine.
Molecular consequence: missense variant.
Genome position (GRCh38, 1-based): chr16:89,811,027, C>G on the plus strand (G>C on the coding strand, the complement: FANCA is on the minus strand). VCF-style: chr16-89811027-C-G. GRCh37 (hg19) VCF-style: chr16-89877435-C-G.
Other names: c.328G>C, p.Gly110Arg (NM_001018112.3, NM_001286167.3, NM_001351830.2); short protein forms G110R.
Identifiers: ClinVar variation 4870829 (VCV004870829.1).

ClinVar aggregate classification (germline): Uncertain significance (1 of 4 stars; one submission).

Conditions:
Inborn genetic diseases. Identifiers: MedGen C0950123, MeSH D030342.

Submission:

Ambry Genetics
Classification: Uncertain significance for Inborn genetic diseases. Last evaluated: 2026-04-12. Review status: criteria provided, single submitter. Criteria: Ambry Variant Classification Scheme 2023. Collection method: clinical testing. Allele origin: germline.
Comment: The p.G110R variant (also known as c.328G>C), located in coding exon 4 of the FANCA gene, results from a G to C substitution at nucleotide position 328. The glycine at codon 110 is replaced by arginine, an amino acid with dissimilar properties. This amino acid position is conserved. In addition, this alteration is predicted to be tolerated by in silico analysis. Based on the available evidence, the clinical significance of this variant remains unclear.